The following is an entry in ClinVar:

NM_173689.7(CRB2):c.2825C>T (p.Ala942Val)

Gene: CRB2 (crumbs cell polarity complex component 2; plus strand). Cytogenetic location: 9q33.3.
Variant type: single nucleotide variant.
Coding change: c.2825C>T on transcript NM_173689.7 (MANE Select); coding-DNA position 2825, C replaced by T.
Protein change: p.Ala942Val; replaces alanine 942 with valine.
Molecular consequence: missense variant. On other transcripts: non-coding transcript variant (1).
Genome position (GRCh38, 1-based): chr9:123,373,356, C>T. VCF-style: chr9-123373356-C-T. GRCh37 (hg19) VCF-style: chr9-126135635-C-T.
Other names: short protein forms A942V.
Identifiers: ClinVar variation 4701512 (VCV004701512.1).

ClinVar aggregate classification (germline): Uncertain significance (1 of 4 stars; one submission).

gnomAD v4.1: 6 of 1,431,090 alleles (0.00042%); highest among the groups gnomAD compares: African/African-American, 0.006%; no homozygotes.

Submission:

Labcorp Genetics (formerly Invitae), Labcorp
Classification: Uncertain significance. Last evaluated: 2025-07-23. Review status: criteria provided, single submitter. Criteria: Invitae Variant Classification Sherloc (09022015). Collection method: clinical testing. Allele origin: germline.
Comment: This sequence change replaces alanine, which is neutral and non-polar, with valine, which is neutral and non-polar, at codon 942 of the CRB2 protein (p.Ala942Val). This variant is not present in population databases (gnomAD no frequency). This variant has not been reported in the literature in individuals affected with CRB2-related conditions. Invitae Evidence Modeling of protein sequence and biophysical properties (such as structural, functional, and spatial information, amino acid conservation, physicochemical variation, residue mobility, and thermodynamic stability) indicates that this missense variant is not expected to disrupt CRB2 protein function with a negative predictive value of 80%. In summary, the available evidence is currently insufficient to determine the role of this variant in disease. Therefore, it has been classified as a Variant of Uncertain Significance.